The following is an entry in ClinVar:

ClinVar aggregate classification (germline): Uncertain significance. Review status: criteria provided, multiple submitters, no conflicts (2 of 4 stars). 2 submissions from 2 submitters: Uncertain significance (2). Last evaluated 2026-01-19.

Conditions:
Hereditary cancer-predisposing syndrome. Also called: Neoplastic Syndromes, Hereditary; Hereditary Cancer Syndrome; Hereditary neoplastic syndrome; Tumor predisposition. Identifiers: Orphanet 140162, MedGen C0027672, MeSH D009386, MONDO:0015356.

Submissions (2):

Labcorp Genetics (formerly Invitae), Labcorp
Classification: Uncertain significance. Last evaluated: 2026-01-19. Review status: criteria provided, single submitter. Criteria: Invitae Variant Classification Sherloc (09022015). Collection method: clinical testing. Allele origin: germline.
Comment: This variant, c.615_617dup, results in the insertion of 1 amino acid(s) of the HOXB13 protein (p.Gln205dup), but otherwise preserves the integrity of the reading frame. This variant is not present in population databases (gnomAD no frequency). This variant has not been reported in the literature in individuals affected with HOXB13-related conditions. Experimental studies and prediction algorithms are not available or were not evaluated, and the functional significance of this variant is currently unknown. In summary, the available evidence is currently insufficient to determine the role of this variant in disease. Therefore, it has been classified as a Variant of Uncertain Significance.

Ambry Genetics
Classification: Uncertain significance for Hereditary cancer-predisposing syndrome. Last evaluated: 2025-03-13. Review status: criteria provided, single submitter. Criteria: Ambry Variant Classification Scheme 2023. Collection method: clinical testing. Allele origin: germline.
Comment: The c.615_617dupGCA variant (also known as p.Q205dup), located in coding exon 2 of the HOXB13 gene, results from an in-frame duplication of GCA at nucleotide positions 615 to 617. This results in the duplication of an extra amino acid residue between codons 205 and 206. This amino acid position is well conserved in available vertebrate species. In addition, this alteration is predicted to be neutral by in silico analysis (Choi Y et al. PLoS ONE. 2012; 7(10):e46688). Since supporting evidence is limited at this time, the clinical significance of this alteration remains unclear.

NM_006361.6(HOXB13):c.612GCA[3] (p.Gln205dup)

Gene: HOXB13 (homeobox B13; minus strand). Cytogenetic location: 17q21.32.
Variant type: Microsatellite.
Coding change: c.612GCA[3] on transcript NM_006361.6 (MANE Select); three copies in a row of the 3-base unit GCA starting at c.612; the reference has two copies in a row; one copy, 3 bases duplicated.
Protein change: p.Gln205dup; duplicates glutamine 205.
Molecular consequence: inframe insertion.
Genome position (GRCh38, 1-based): chr17:48,727,028-48,727,030, TGC duplicated on the plus strand (GCA on the coding strand, the reverse complement: HOXB13 is on the minus strand); duplicating any 3 consecutive bases within chr17:48,727,028-48,727,033 gives the same sequence; the position shown is the placement nearest the transcript's 3' end. VCF-style (leftmost placement, unchanged base first): chr17-48727027-G-GTGC. GRCh37 (hg19) VCF-style: chr17-46804389-G-GTGC.
Identifiers: ClinVar variation 1435877 (VCV001435877.12), dbSNP rs2143067886, ClinGen allele CA2580613157.